The following is an entry in ClinVar:

ClinVar aggregate classification (germline): Pathogenic (1 of 4 stars; one submission).

Conditions:
Fanconi anemia (FA). Also called: Fanconi's anemia. Identifiers: Orphanet 84, MedGen C0015625, MeSH D005199, MONDO:0019391.

Submission:

Labcorp Genetics (formerly Invitae), Labcorp
Classification: Pathogenic for Fanconi anemia. Last evaluated: 2024-02-05. Review status: criteria provided, single submitter. Criteria: Invitae Variant Classification Sherloc (09022015). Collection method: clinical testing. Allele origin: germline.
Comment: This sequence change creates a premature translational stop signal (p.Phe1301Cysfs*17) in the FANCD2 gene. It is expected to result in an absent or disrupted protein product. Loss-of-function variants in FANCD2 are known to be pathogenic (PMID: 17436244). This variant is not present in population databases (gnomAD no frequency). This variant has not been reported in the literature in individuals affected with FANCD2-related conditions. For these reasons, this variant has been classified as Pathogenic.

Literature cited by the submitters: PubMed 17436244.

NM_001018115.3(FANCD2):c.3902_3903del (p.Phe1301fs)

Genes: FANCD2 (FA complementation group D2; plus strand), FANCD2OS (FANCD2 opposite strand; minus strand). Cytogenetic location: 3p25.3.
Variant type: Deletion.
Coding change: c.3902_3903del on transcript NM_001018115.3 (MANE Select); coding-DNA positions 3902 to 3903, 2 bases deleted (TT; older notation c.3902_3903delTT).
Protein change: p.Phe1301fs; shifts the reading frame from phenylalanine 1301.
Molecular consequence: frameshift variant. On other transcripts: intron variant (1).
Genome position (GRCh38, 1-based): chr3:10,094,302-10,094,303, TT deleted; deleting any 2 consecutive bases within chr3:10,094,301-10,094,303 gives the same sequence; the c. name uses the placement nearest the transcript's 3' end. VCF-style (leftmost placement, unchanged base first): chr3-10094300-CTT-C. GRCh37 (hg19) VCF-style: chr3-10135984-CTT-C.
Other names: c.*43+9896_*43+9897del (NM_173472.2); c.3902_3903del, p.Phe1301fs (NM_001319984.2, NM_033084.6); c.3791_3792del, p.Phe1264fs (NM_001374253.1); c.3863_3864del, p.Phe1288fs (NM_001374254.1); short protein forms F1288fs, F1264fs, F1301fs.
Identifiers: ClinVar variation 2886543 (VCV002886543.3), dbSNP rs1694823880, ClinGen allele CA1044988187.